The following is an entry in ClinVar:

ClinVar aggregate classification (germline): Uncertain significance (1 of 4 stars; one submission).

Submission:

Labcorp Genetics (formerly Invitae), Labcorp
Classification: Uncertain significance. Last evaluated: 2021-12-27. Review status: criteria provided, single submitter. Criteria: Invitae Variant Classification Sherloc (09022015). Collection method: clinical testing. Allele origin: germline.
Comment: In summary, the available evidence is currently insufficient to determine the role of this variant in disease. Therefore, it has been classified as a Variant of Uncertain Significance. Algorithms developed to predict the effect of missense changes on protein structure and function output the following: SIFT: "Tolerated"; PolyPhen-2: "Benign"; Align-GVGD: "Class C0". The isoleucine amino acid residue is found in multiple mammalian species, which suggests that this missense change does not adversely affect protein function. This variant has not been reported in the literature in individuals affected with ACVR1-related conditions. This variant is not present in population databases (gnomAD no frequency). This sequence change replaces methionine, which is neutral and non-polar, with isoleucine, which is neutral and non-polar, at codon 360 of the ACVR1 protein (p.Met360Ile).

NM_001111067.4(ACVR1):c.1080G>A (p.Met360Ile)

Gene: ACVR1 (activin A receptor type 1; minus strand). Cytogenetic location: 2q24.1.
Variant type: single nucleotide variant.
Coding change: c.1080G>A on transcript NM_001111067.4 (MANE Select); coding-DNA position 1080, G replaced by A.
Protein change: p.Met360Ile; replaces methionine 360 with isoleucine.
Molecular consequence: missense variant.
Genome position (GRCh38, 1-based): chr2:157,761,064, C>T on the plus strand (G>A on the coding strand, the complement: ACVR1 is on the minus strand). VCF-style: chr2-157761064-C-T. GRCh37 (hg19) VCF-style: chr2-158617576-C-T.
Other names: c.1080G>A, p.Met360Ile (NM_001105.5, NM_001347663.1, NM_001347664.1 and 3 more transcripts); short protein forms M360I.
Identifiers: ClinVar variation 2062108 (VCV002062108.4), dbSNP rs2467919830, ClinGen allele CA349189686.
Genomic context (GRCh38, chr2:157,761,064, plus strand): 5'-GCGCTTGGTGCCCACACGGGGATTGTTCCCCACATCAAGCTGATTGGTGCTCTGGGAATG[C>T]ATGACTGCCAGGCCTGAAAGGAAGAAGATAACAATGTAATCAACCCACTTCCTTTCTCAT-3'
Protein context (NP_001104537.1, residues 350-370): CCIADLGLAV[Met360Ile]HSQSTNQLDV